The following is an entry in ClinVar:

ClinVar aggregate classification (germline): Likely pathogenic (1 of 4 stars; one submission).

Conditions:
Primary ciliary dyskinesia 3. Identifiers: Orphanet 244, MedGen C1837618, MONDO:0012085, OMIM 608644.

Submission:

Myriad Genetics, Inc.
Classification: Likely pathogenic for Primary ciliary dyskinesia 3. Last evaluated: 2022-03-01. Review status: criteria provided, single submitter. Criteria: Myriad Women's Health Autosomal Recessive and X-Linked Classification Criteria (2021). Collection method: clinical testing. Allele origin: unknown.
Comment: NM_001369.2(DNAH5):c.1576_1577delCT(L526Rfs*8) is expected to be pathogenic in the context of DNAH5-related primary ciliary dyskinesia. This variant is predicted to lead to an abnormal or absent protein product due to the creation of a premature termination codon in DNAH5, a gene where loss-of-function variants are known to be pathogenic. Please note: this variant was assessed in the context of healthy population screening.

NM_001369.3(DNAH5):c.1576_1577del (p.Leu526fs)

Gene: DNAH5 (dynein axonemal heavy chain 5; minus strand). Cytogenetic location: 5p15.2.
Variant type: Deletion.
Coding change: c.1576_1577del on transcript NM_001369.3 (MANE Select); coding-DNA positions 1576 to 1577, 2 bases deleted (CT; older notation c.1576_1577delCT).
Protein change: p.Leu526fs; shifts the reading frame from leucine 526.
Molecular consequence: frameshift variant.
Genome position (GRCh38, 1-based): chr5:13,911,453-13,911,454, AG deleted on the plus strand (CT on the coding strand, the reverse complement: DNAH5 is on the minus strand). VCF-style (leftmost placement, unchanged base first): chr5-13911452-TAG-T. GRCh37 (hg19) VCF-style: chr5-13911561-TAG-T.
Other names: short protein forms L526fs.
Identifiers: ClinVar variation 1724840 (VCV001724840.2), dbSNP rs2547120231, ClinGen allele CA2580072100.
Genomic context (GRCh38, chr5:13,911,452, plus strand): 5'-GTCATTAGTCTGCTTGCAAAACTCTTCGTAATCTTGGTCAAAATCCATTTTCCGCTGGTC[TAG>T]GAAATTGTATTCCTTTTTCTTTATGGTTGCCACAATGCCCTGAAATATTATGAGATAAAT-3'